The following is an entry in ClinVar:

ClinVar aggregate classification (germline): Uncertain significance (1 of 4 stars; one submission).

Allele frequency attached by ClinVar (database versions not stated): gnomAD 0.00001; TOPMed 0.00008; ExAC 0.00009.

Submissions (2):

Labcorp Genetics (formerly Invitae), Labcorp
Classification: Uncertain significance. Last evaluated: 2024-01-12. Review status: criteria provided, single submitter. Criteria: Invitae Variant Classification Sherloc (09022015). Collection method: clinical testing. Allele origin: germline.
Comment: This sequence change falls in intron 9 of the SLC6A19 gene. It does not directly change the encoded amino acid sequence of the SLC6A19 protein. It affects a nucleotide within the consensus splice site. This variant is present in population databases (rs762081099, gnomAD 0.04%). This variant has not been reported in the literature in individuals affected with SLC6A19-related conditions. Variants that disrupt the consensus splice site are a relatively common cause of aberrant splicing (PMID: 17576681, 9536098). Algorithms developed to predict the effect of sequence changes on RNA splicing suggest that this variant is not likely to affect RNA splicing. In summary, the available evidence is currently insufficient to determine the role of this variant in disease. Therefore, it has been classified as a Variant of Uncertain Significance.

Dr. Peter K. Rogan Lab, Western University
No classification provided (evidence only). Condition: Malignant tumor of esophagus. Review status: no classification provided. Collection method: in vitro. Allele origin: not applicable. Functional consequence: retained intron. Not counted in ClinVar's aggregate classification.

Literature cited by the submitters: PubMed 17576681 (cited by Labcorp Genetics (formerly Invitae), Labcorp); PubMed 9536098 (cited by Labcorp Genetics (formerly Invitae), Labcorp).

NM_001003841.3(SLC6A19):c.1378+5G>A

Gene: SLC6A19 (solute carrier family 6 member 19; plus strand). Cytogenetic location: 5p15.33.
Variant type: single nucleotide variant.
Coding change: c.1378+5G>A on transcript NM_001003841.3 (MANE Select); 5 bases into the intron after coding-DNA position 1378, G replaced by A.
Molecular consequence: intron variant.
Genome position (GRCh38, 1-based): chr5:1,219,112, G>A. VCF-style: chr5-1219112-G-A. GRCh37 (hg19) VCF-style: chr5-1219227-G-A.
Identifiers: ClinVar variation 2905541 (VCV002905541.3), dbSNP rs762081099, ClinGen allele CA3183134.